The following is an entry in ClinVar:

ClinVar aggregate classification (germline): Benign/Likely benign. Review status: criteria provided, multiple submitters, no conflicts (2 of 4 stars). 3 submissions from 3 submitters: Benign (1); Likely benign (2). Last evaluated 2025-12-30.

Conditions:
X-linked Emery-Dreifuss muscular dystrophy. Also called: Muscular dystrophy, tardive Emery-Dreifuss type, with contractures. Identifiers: Orphanet 261, Orphanet 98863, MedGen C0751337, MONDO:0010680.

Allele frequency attached by ClinVar (database versions not stated): gnomAD exomes 0.00002 and 0.00005; ExAC 0.00005; TOPMed 0.00005; gnomAD 0.00006 and 0.00007.
gnomAD v4.1: 58 of 1,208,948 alleles (0.0048%); highest among the groups gnomAD compares: Non-Finnish European, 0.0063%; no homozygotes.

Submissions (3):

Labcorp Genetics (formerly Invitae), Labcorp
Classification: Benign for X-linked Emery-Dreifuss muscular dystrophy. Last evaluated: 2025-12-30. Review status: criteria provided, single submitter. Criteria: Invitae Variant Classification Sherloc (09022015). Collection method: clinical testing. Allele origin: germline.

Blueprint Genetics
Classification: Likely benign. Last evaluated: 2022-07-15. Review status: criteria provided, single submitter. Criteria: ACMG Guidelines, 2015. Collection method: clinical testing. Allele origin: germline.

GeneDx
Classification: Likely benign. Last evaluated: 2015-11-30. Review status: criteria provided, single submitter. Criteria: GeneDx Variant Classification (06012015). Collection method: clinical testing. Allele origin: germline. Affected: yes.
Comment: This variant is considered likely benign or benign based on one or more of the following criteria: it is a conservative change, it occurs at a poorly conserved position in the protein, it is predicted to be benign by multiple in silico algorithms, and/or has population frequency not consistent with disease.

NM_000117.3(EMD):c.400-14A>G

Gene: EMD (emerin; plus strand). Cytogenetic location: Xq28.
Variant type: single nucleotide variant.
Coding change: c.400-14A>G on transcript NM_000117.3 (MANE Select); 14 bases into the intron before coding-DNA position 400, A replaced by G.
Molecular consequence: intron variant.
Genome position (GRCh38, 1-based): chrX:154,380,739, A>G. VCF-style: chrX-154380739-A-G. GRCh37 (hg19) VCF-style: chrX-153609099-A-G.
Identifiers: ClinVar variation 381918 (VCV000381918.10), dbSNP rs781916367, ClinGen allele CA10561598.